The following is an entry in ClinVar:

ClinVar aggregate classification (germline): Likely benign (0 of 4 stars; one submission).

Conditions:
UNG-related disorder. Also called: UNG-related condition.

Allele frequency attached by ClinVar (database versions not stated): gnomAD 0.00001; TOPMed 0.00005.
gnomAD v4.1: 27 of 1,598,140 alleles (0.0017%); highest among the groups gnomAD compares: East Asian, 0.0045%; no homozygotes.

Submission:

PreventionGenetics, part of Exact Sciences
Classification: Likely benign for UNG-related condition. Last evaluated: 2019-03-26. Review status: no assertion criteria provided. Collection method: clinical testing. Allele origin: germline.
Comment: This variant is classified as likely benign based on ACMG/AMP sequence variant interpretation guidelines (Richards et al. 2015 PMID: 25741868, with internal and published modifications).

NM_080911.3(UNG):c.133-110C>T

Gene: UNG (uracil DNA glycosylase; plus strand). Cytogenetic location: 12q24.11.
Variant type: single nucleotide variant.
Coding change: c.133-110C>T on transcript NM_080911.3 (MANE Select); 110 bases into the intron before coding-DNA position 133, C replaced by T.
Molecular consequence: intron variant. On other transcripts: 5 prime UTR variant (1).
Genome position (GRCh38, 1-based): chr12:109,098,322, C>T. VCF-style: chr12-109098322-C-T. GRCh37 (hg19) VCF-style: chr12-109536127-C-T.
Other names: c.-5C>T (NM_003362.4).
Identifiers: ClinVar variation 3048400 (VCV003048400.2), dbSNP rs756984182, ClinGen allele CA6772476.